The following is an entry in ClinVar:

NM_001365308.1(BMPER):c.531_535dup (p.Phe179fs)

Gene: BMPER (BMP binding endothelial regulator; plus strand). Cytogenetic location: 7p14.3.
Variant type: Duplication.
Coding change: c.531_535dup on transcript NM_001365308.1 (MANE Select); coding-DNA positions 531 to 535, 5 bases duplicated (GGAAT; older notation c.531_535dupGGAAT).
Protein change: p.Phe179fs; shifts the reading frame from phenylalanine 179.
Molecular consequence: frameshift variant.
Genome position (GRCh38, 1-based): chr7:33,974,739-33,974,743, GGAAT duplicated. VCF-style (leftmost placement, unchanged base first): chr7-33974738-A-AGGAAT. GRCh37 (hg19) VCF-style: chr7-34014350-A-AGGAAT.
Other names: c.531_535dup, p.Phe179fs (NM_001410872.1, NM_133468.5); short protein forms F179fs.
Identifiers: ClinVar variation 3765626 (VCV003765626.1).

ClinVar aggregate classification (germline): Likely pathogenic (1 of 4 stars; one submission).

Conditions:
Diaphanospondylodysostosis. Also called: VERTEBRAL OSSIFICATION, DEFECT IN, WITH NEPHROGENIC RESTS. Identifiers: Orphanet 66637, MedGen C1842691, MONDO:0011946, OMIM 608022.

Submission:

Greenwood Genetic Center Diagnostic Laboratories, Greenwood Genetic Center
Classification: Likely pathogenic for Diaphanospondylodysostosis. Last evaluated: 2024-07-01. Review status: criteria provided, single submitter. Criteria: ACMG Guidelines, 2015. Collection method: clinical testing. Allele origin: germline. Affected: yes.
Comment: PVS1, PM2